The following is an entry in ClinVar:

ClinVar aggregate classification (germline): Likely benign (0 of 4 stars; one submission).

Conditions:
NIN-related disorder. Also called: NIN-related condition.

Allele frequency attached by ClinVar (database versions not stated): TOPMed 0.00004; gnomAD 0.00009; gnomAD exomes 0.00018; ExAC 0.00043; 1000 Genomes Project 30x 0.00094; 1000 Genomes Project 0.00100.
gnomAD v4.1: 271 of 1,613,032 alleles (0.017%); highest among the groups gnomAD compares: South Asian, 0.27%; 5 homozygotes.

Submission:

PreventionGenetics, part of Exact Sciences
Classification: Likely benign for NIN-related condition. Last evaluated: 2019-04-12. Review status: no assertion criteria provided. Collection method: clinical testing. Allele origin: germline.
Comment: This variant is classified as likely benign based on ACMG/AMP sequence variant interpretation guidelines (Richards et al. 2015 PMID: 25741868, with internal and published modifications).

NM_020921.4(NIN):c.4014C>T (p.Ser1338=)

Gene: NIN (ninein; minus strand). Cytogenetic location: 14q22.1.
Variant type: single nucleotide variant.
Coding change: c.4014C>T on transcript NM_020921.4 (MANE Select); coding-DNA position 4014, C replaced by T.
Protein change: p.Ser1338=; no amino-acid change (serine 1338 retained).
Molecular consequence: synonymous variant. On other transcripts: intron variant (1).
Genome position (GRCh38, 1-based): chr14:50,757,016, G>A on the plus strand (C>T on the coding strand, the complement: NIN is on the minus strand). VCF-style: chr14-50757016-G-A. GRCh37 (hg19) VCF-style: chr14-51223734-G-A.
Other names: c.4014C>T, p.Ser1338= (NM_182944.3, NM_182946.2); c.2400-2149C>T (NM_016350.5).
Identifiers: ClinVar variation 3043291 (VCV003043291.2), dbSNP rs533886131, ClinGen allele CA7181643.